The following is an entry in ClinVar:

ClinVar aggregate classification (germline): Uncertain significance (1 of 4 stars; one submission).

Conditions:
EBF1-related condition.

gnomAD v4.1: 13 of 1,551,080 alleles (0.00084%); highest among the groups gnomAD compares: South Asian, 0.013%; no homozygotes.

Submission:

PreventionGenetics, part of Exact Sciences
Classification: Uncertain significance for EBF1-related condition. Last evaluated: 2026-06-28. Review status: criteria provided, single submitter. Criteria: ACMG Guidelines, 2015. Collection method: clinical testing. Allele origin: germline.
Comment: The EBF1 c.1706C>T variant is predicted to result in the amino acid substitution p.Pro569Leu. To our knowledge, this variant has not been reported in the literature. This variant is reported in 0.0087% of alleles in individuals of South Asian descent in gnomAD. At this time, the clinical significance of this variant is uncertain due to the absence of conclusive functional and genetic evidence.

NM_024007.5(EBF1):c.1703C>T (p.Pro568Leu)

Gene: EBF1 (EBF transcription factor 1; minus strand). Cytogenetic location: 5q33.3.
Variant type: single nucleotide variant.
Coding change: c.1703C>T on transcript NM_024007.5 (MANE Select); coding-DNA position 1703, C replaced by T.
Protein change: p.Pro568Leu; replaces proline 568 with leucine.
Molecular consequence: missense variant.
Genome position (GRCh38, 1-based): chr5:158,708,020, G>A on the plus strand (C>T on the coding strand, the complement: EBF1 is on the minus strand). VCF-style: chr5-158708020-G-A. GRCh37 (hg19) VCF-style: chr5-158135028-G-A.
Other names: c.1706C>T, p.Pro569Leu (NM_001290360.3, NM_001324101.2); c.1703C>T, p.Pro568Leu (NM_001324103.2); c.1679C>T, p.Pro560Leu (NM_001324106.2, NM_001324108.2); c.1682C>T, p.Pro561Leu (NM_001324107.2); c.1526C>T, p.Pro509Leu (NM_001324109.2); c.1307C>T, p.Pro436Leu (NM_001324111.2); c.1523C>T, p.Pro508Leu (NM_001364155.2); c.1589C>T, p.Pro530Leu (NM_001364156.2); and 4 more; short protein forms P435L, P530L, P561L, P427L, P436L, P509L, P569L, P508L.
Identifiers: ClinVar variation 4978366 (VCV004978366.1).